The following is an entry in ClinVar:

NM_004380.3(CREBBP):c.6777C>G (p.Ser2259Arg)

Gene: CREBBP (CREB binding lysine acetyltransferase; minus strand). Cytogenetic location: 16p13.3.
Variant type: single nucleotide variant.
Coding change: c.6777C>G on transcript NM_004380.3 (MANE Select); coding-DNA position 6777, C replaced by G.
Protein change: p.Ser2259Arg; replaces serine 2259 with arginine.
Molecular consequence: missense variant.
Genome position (GRCh38, 1-based): chr16:3,728,270, G>C on the plus strand (C>G on the coding strand, the complement: CREBBP is on the minus strand). VCF-style: chr16-3728270-G-C. GRCh37 (hg19) VCF-style: chr16-3778271-G-C.
Other names: c.6663C>G, p.Ser2221Arg (NM_001079846.1); short protein forms S2259R, S2221R.
Identifiers: ClinVar variation 4985766 (VCV004985766.1).

ClinVar aggregate classification (germline): Uncertain significance (1 of 4 stars; one submission).

Conditions:
CREBBP-related disorder. Also called: CREBBP-related disorders; CREBBP-related condition.

gnomAD v4.1: 6 of 1,612,372 alleles (0.00037%); highest among the groups gnomAD compares: Non-Finnish European, 0.00051%; no homozygotes.

Submission:

PreventionGenetics, part of Exact Sciences
Classification: Uncertain significance for CREBBP-related condition. Last evaluated: 2026-01-18. Review status: criteria provided, single submitter. Criteria: ACMG Guidelines, 2015. Collection method: clinical testing. Allele origin: germline.
Comment: The CREBBP c.6777C>G variant is predicted to result in the amino acid substitution p.Ser2259Arg. To our knowledge, this variant has not been reported in the literature. This variant is reported in 0.00090% of alleles in individuals of European (Non-Finnish) descent in gnomAD. At this time, the clinical significance of this variant is uncertain due to the absence of conclusive functional and genetic evidence.